The following is an entry in ClinVar:

NM_006295.3(VARS1):c.1112G>A (p.Arg371His)

Gene: VARS1 (valyl-tRNA synthetase 1; minus strand). Cytogenetic location: 6p21.33.
Variant type: single nucleotide variant.
Coding change: c.1112G>A on transcript NM_006295.3 (MANE Select); coding-DNA position 1112, G replaced by A.
Protein change: p.Arg371His; replaces arginine 371 with histidine.
Molecular consequence: missense variant.
Genome position (GRCh38, 1-based): chr6:31,785,722, C>T on the plus strand (G>A on the coding strand, the complement: VARS1 is on the minus strand). VCF-style: chr6-31785722-C-T. GRCh37 (hg19) VCF-style: chr6-31753499-C-T.
Other names: short protein forms R371H.
Identifiers: ClinVar variation 2520155 (VCV002520155.3), dbSNP rs374047504, ClinGen allele CA3723390.
Genomic context (GRCh38, chr6:31,785,722, plus strand): 5'-ACCACCTGGGTGGCAATACCTGCATGGTCACAGCCAGGGTTCCACAGGGTGGTCTCCCCA[C>T]GCATGCGGTGCCTGTTAGGGGGCATGGAGGACCAGAGGGTGAGCCAGGCCAGTGGGGCCT-3'
Protein context (NP_006286.1, residues 361-381): QDSLTRWHRM[Arg371His]GETTLWNPGC

ClinVar aggregate classification (germline): Uncertain significance. Review status: criteria provided, multiple submitters, no conflicts (2 of 4 stars). 2 submissions from 2 submitters: Uncertain significance (2). Last evaluated 2025-12-15.

Conditions:
Inborn genetic diseases. Identifiers: MedGen C0950123, MeSH D030342.

Allele frequency attached by ClinVar (database versions not stated): ESP Exome Variant Server 0.00012; 1000 Genomes Project 30x 0.00016.

Submissions (2):

Greenwood Genetic Center Diagnostic Laboratories, Greenwood Genetic Center
Classification: Uncertain significance. Last evaluated: 2025-12-15. Review status: criteria provided, single submitter. Criteria: ACMG Guidelines, 2015. Collection method: clinical testing. Allele origin: germline. Affected: yes.
Comment: PM2, PP2

Ambry Genetics
Classification: Uncertain significance for Inborn genetic diseases. Last evaluated: 2023-05-23. Review status: criteria provided, single submitter. Criteria: Ambry Variant Classification Scheme 2023. Collection method: clinical testing. Allele origin: germline.